The following is an entry in ClinVar:

ClinVar aggregate classification (germline): Uncertain significance (1 of 4 stars; one submission).

Allele frequency attached by ClinVar (database versions not stated): gnomAD exomes below 0.00001; TOPMed below 0.00001; gnomAD 0.00001.
gnomAD v4.1: 3 of 1,309,526 alleles (0.00023%); highest among the groups gnomAD compares: Middle Eastern, 0.018%; no homozygotes.

Submission:

Labcorp Genetics (formerly Invitae), Labcorp
Classification: Uncertain significance. Last evaluated: 2022-09-13. Review status: criteria provided, single submitter. Criteria: Invitae Variant Classification Sherloc (09022015). Collection method: clinical testing. Allele origin: germline.
Comment: In summary, the available evidence is currently insufficient to determine the role of this variant in disease. Therefore, it has been classified as a Variant of Uncertain Significance. Algorithms developed to predict the effect of missense changes on protein structure and function are either unavailable or do not agree on the potential impact of this missense change (SIFT: "Tolerated"; PolyPhen-2: "Possibly Damaging"; Align-GVGD: "Class C0"). This variant has not been reported in the literature in individuals affected with IL12RB2-related conditions. This variant is present in population databases (no rsID available, gnomAD 0.06%). This sequence change replaces alanine, which is neutral and non-polar, with proline, which is neutral and non-polar, at codon 656 of the IL12RB2 protein (p.Ala656Pro).

NM_001374259.2(IL12RB2):c.1966G>C (p.Ala656Pro)

Gene: IL12RB2 (interleukin 12 receptor subunit beta 2; plus strand). Cytogenetic location: 1p31.3.
Variant type: single nucleotide variant.
Coding change: c.1966G>C on transcript NM_001374259.2 (MANE Select); coding-DNA position 1966, G replaced by C.
Protein change: p.Ala656Pro; replaces alanine 656 with proline.
Molecular consequence: missense variant. On other transcripts: intron variant (3), non-coding transcript variant (2).
Genome position (GRCh38, 1-based): chr1:67,390,048, G>C. VCF-style: chr1-67390048-G-C. GRCh37 (hg19) VCF-style: chr1-67855731-G-C.
Other names: c.1856-5499G>C (NM_001258216.1); c.1708G>C, p.Ala570Pro (NM_001258215.1); c.1966G>C, p.Ala656Pro (NM_001559.3); c.1946+3379G>C (NM_001258214.1, NM_001319233.1); short protein forms A570P, A656P.
Identifiers: ClinVar variation 2130408 (VCV002130408.4), dbSNP rs1210022751, ClinGen allele CA340733975.
Genomic context (GRCh38, chr1:67,390,048, plus strand): 5'-GTGCACACCTAAGGAAATGTCACTGTTTTCTTTATCTATAGGGTGTTTGTTCTCCTAGCA[G>C]CCCTCAGACCTCAGTGGTGTAGCAGAGAAATTCCAGATCCAGCAAATAGCACTTGCGCTA-3'
Protein context (NP_001361188.1, residues 646-666): FQQKVFVLLA[Ala656Pro]LRPQWCSREI